The following is an entry in ClinVar:

NM_001039591.3(USP9X):c.890A>C (p.Glu297Ala)

Gene: USP9X (ubiquitin specific peptidase 9 X-linked; plus strand). Cytogenetic location: Xp11.4.
Variant type: single nucleotide variant.
Coding change: c.890A>C on transcript NM_001039591.3 (MANE Select); coding-DNA position 890, A replaced by C.
Protein change: p.Glu297Ala; replaces glutamic acid 297 with alanine.
Molecular consequence: missense variant.
Genome position (GRCh38, 1-based): chrX:41,141,085, A>C. VCF-style: chrX-41141085-A-C. GRCh37 (hg19) VCF-style: chrX-41000338-A-C.
Other names: c.890A>C, p.Glu297Ala (NM_001039590.3, NM_001410748.1, NM_001410749.1); short protein forms E297A.
Identifiers: ClinVar variation 3360508 (VCV003360508.1).
Genomic context (GRCh38, chrX:41,141,085, plus strand): 5'-CAATAATAGAAATGGTTCCACAGTTTTTAGAAAACTTAACTGATGAAGAACTGAAAAAAG[A>C]AGCAAAGAATGAAGCCAAAAATGATGCTCTTTCAATGATTATTAAATCTTTGAAGAATTT-3'
Protein context (NP_001034680.2, residues 287-307): ENLTDEELKK[Glu297Ala]AKNEAKNDAL

ClinVar aggregate classification (germline): Uncertain significance (1 of 4 stars; one submission).

Submission:

GeneDx
Classification: Uncertain significance. Last evaluated: 2023-06-26. Review status: criteria provided, single submitter. Criteria: GeneDx Variant Classification Process June 2021. Collection method: clinical testing. Allele origin: germline. Affected: yes.
Comment: Has not been previously published as pathogenic or benign to our knowledge; Not observed at significant frequency in large population cohorts (gnomAD); In silico analysis supports that this missense variant has a deleterious effect on protein structure/function